The following is an entry in ClinVar:

ClinVar aggregate classification (germline): Conflicting classifications of pathogenicity. Review status: criteria provided, conflicting classifications (1 of 4 stars). 5 submissions from 5 submitters: Pathogenic (1); Likely pathogenic (1); Uncertain significance (2). 1 of the submissions does not count toward it. Last evaluated 2026-03-18.

Conditions:
Familial X-linked hypophosphatemic vitamin D refractory rickets (XLHRD). Also called: X-Linked Hypophosphatemia; Hypophosphatemic Rickets, X-Linked Dominant; Hypophosphatemia, vitamin D-resistant rickets; Vitamin D-resistant rickets, X-linked; HYPOPHOSPHATEMIC VITAMIN D-RESISTANT RICKETS. Identifiers: Orphanet 89936, MedGen C0733682, MONDO:0010619, OMIM 307800.

Submissions (5):

GeneDx
Classification: Pathogenic. Last evaluated: 2026-03-18. Review status: criteria provided, single submitter. Criteria: GeneDx Variant Classification Process June 2021. Collection method: clinical testing. Allele origin: germline.
Comment: RNA studies demonstrate this variant creates a pseudoexon with a premature stop and results in a null allele (PMID: 39512182); In silico analysis suggests this variant may impact gene splicing.; No data available from control populations to assess the frequency of this variant; This variant is associated with the following publications: (PMID: 39512182, 39677929)

Clinical Biomedical Laboratory, Shriners Hospital For Children - Canada
Classification: Likely pathogenic for Familial X-linked hypophosphatemic vitamin D refractory rickets. Last evaluated: 2025-05-08. Review status: criteria provided, single submitter. Criteria: ACMG Guidelines, 2015. Collection method: clinical testing. Allele origin: germline. Affected: yes.
Comment: This heterozygous PHEX variant in intron 17 (c.1768+173A>G) is associated with the inclusion of a pseudoexon in the PHEX transcript (PMID 39512182). The A-to-G transition changes a wild type AT doublet to a GT doublet, creating a consensus splice donor sequence. SpliceAI predicts that the variant leads to a splice donor gain at that locus (delta score of 0.95) as well as a splice acceptor gain (delta score of 0.91) using an upstream intronic AG sequence. Use of these predicted splice acceptor and donor sites leads to a pseudoexon that is 85 base pairs in length and includes a stop codon.

Blueprint Genetics
Classification: Uncertain significance. Last evaluated: 2024-10-25. Review status: criteria provided, single submitter. Criteria: ACMG Guidelines, 2015. Collection method: clinical testing. Allele origin: germline.

Neuberg Centre For Genomic Medicine, NCGM
Classification: Uncertain significance for Familial X-linked hypophosphatemic vitamin D refractory rickets. Review status: criteria provided, single submitter. Criteria: ACMG Guidelines, 2015. Collection method: clinical testing. Allele origin: germline. Inheritance: X-linked dominant inheritance. Affected: yes.

Bioscientia Institut fuer Medizinische Diagnostik GmbH, Sonic Healthcare
Classification: Uncertain significance for Familial X-linked hypophosphatemic vitamin D refractory rickets. Last evaluated: 2019-08-28. Review status: no assertion criteria provided. Collection method: clinical testing. Allele origin: germline. Affected: yes. Not counted in ClinVar's aggregate classification.

Literature cited by the submitters: PubMed 39512182 (cited by Clinical Biomedical Laboratory, Shriners Hospital For Children - Canada).

NM_000444.6(PHEX):c.1768+173A>G

Genes: PHEX (phosphate regulating endopeptidase X-linked; plus strand), PTCHD1-AS (PTCHD1 and PHEX antisense RNA; minus strand). Cytogenetic location: Xp22.11.
Variant type: single nucleotide variant.
Coding change: c.1768+173A>G on transcript NM_000444.6 (MANE Select); 173 bases into the intron after coding-DNA position 1768, A replaced by G.
Molecular consequence: intron variant.
Genome position (GRCh38, 1-based): chrX:22,219,276, A>G. VCF-style: chrX-22219276-A-G. GRCh37 (hg19) VCF-style: chrX-22237393-A-G.
Other names: c.1768+173A>G (NM_001282754.2).
Identifiers: ClinVar variation 829888 (VCV000829888.5), dbSNP rs1602402549, ClinGen allele CA915950784.